The following is an entry in ClinVar:

ClinVar aggregate classification (germline): Conflicting classifications of pathogenicity. Review status: criteria provided, conflicting classifications (1 of 4 stars). 7 submissions from 7 submitters: Uncertain significance (4); Likely benign (3). Last evaluated 2026-02-03.

Conditions:
Inborn genetic diseases. Identifiers: MedGen C0950123, MeSH D030342.
Developmental and epileptic encephalopathy, 42 (DEE42A). Also called: DEVELOPMENTAL AND EPILEPTIC ENCEPHALOPATHY 42A; EPILEPTIC ENCEPHALOPATHY, EARLY INFANTILE, 42A; Epileptic encephalopathy, early infantile, 42. Identifiers: MedGen C4310716, MONDO:0014917, OMIM 617106.
Episodic ataxia type 2 (EA2). Also called: ATAXIA, EPISODIC, WITH NYSTAGMUS; ATAXIA, FAMILIAL PAROXYSMAL; CEREBELLAR ATAXIA, PAROXYSMAL, ACETAZOLAMIDE-RESPONSIVE; CEREBELLOPATHY, HEREDITARY PAROXYSMAL; ACETAZOLAMIDE-RESPONSIVE HEREDITARY PAROXYSMAL CEREBELLAR ATAXIA; EPISODIC ATAXIA, NYSTAGMUS-ASSOCIATED. Identifiers: Orphanet 97, MedGen C1720416, MONDO:0007163, OMIM 108500.

Allele frequency attached by ClinVar (database versions not stated): gnomAD 0.00015 and 0.00017; gnomAD exomes 0.00016 and 0.00015; TOPMed 0.00022; ExAC 0.00022.
gnomAD v4.1: 211 of 1,386,104 alleles (0.015%); highest among the groups gnomAD compares: Admixed American, 0.02%; 1 homozygote.

Submissions (7):

Labcorp Genetics (formerly Invitae), Labcorp
Classification: Likely benign for Developmental and epileptic encephalopathy, 42; Episodic ataxia type 2. Last evaluated: 2026-02-03. Review status: criteria provided, single submitter. Criteria: Invitae Variant Classification Sherloc (09022015). Collection method: clinical testing. Allele origin: germline.

Mayo Clinic Laboratories, Mayo Clinic
Classification: Uncertain significance. Last evaluated: 2025-10-20. Review status: criteria provided, single submitter. Criteria: ACMG Guidelines, 2015. Collection method: clinical testing. Allele origin: germline. Observed: 1 variant allele.

CeGaT Center for Human Genetics Tuebingen
Classification: Uncertain significance. Last evaluated: 2023-02-01. Review status: criteria provided, single submitter. Criteria: CeGaT Center For Human Genetics Tuebingen Variant Classification Criteria Version 2. Collection method: clinical testing. Allele origin: germline. Affected: yes. Observed: 1 variant allele.
Comment: CACNA1A: PP2, PP3

GeneDx
Classification: Likely benign. Last evaluated: 2021-02-24. Review status: criteria provided, single submitter. Criteria: GeneDx Variant Classification Process June 2021. Collection method: clinical testing. Allele origin: germline. Affected: yes.
Comment: In silico analysis, which includes protein predictors and evolutionary conservation, supports a deleterious effect; Has not been previously published as pathogenic or benign to our knowledge

Athena Diagnostics
Classification: Uncertain significance. Last evaluated: 2020-12-18. Review status: criteria provided, single submitter. Criteria: Athena Diagnostics criteria. Collection method: clinical testing. Allele origin: unknown.

Ambry Genetics
Classification: Likely benign for Inborn genetic diseases. Last evaluated: 2019-07-18. Review status: criteria provided, single submitter. Criteria: Ambry Variant Classification Scheme 2023. Collection method: clinical testing. Allele origin: germline.

Eurofins Ntd Llc (ga)
Classification: Uncertain significance. Last evaluated: 2014-02-27. Review status: criteria provided, single submitter. Criteria: EGL Classification Definitions 2015. Collection method: clinical testing. Allele origin: germline. Observed: 1 variant allele, 1 heterozygote.

Literature cited by the submitters: PubMed 34806130 (cited by Mayo Clinic Laboratories, Mayo Clinic); PubMed 38003033 (cited by Mayo Clinic Laboratories, Mayo Clinic).

NM_001127222.2(CACNA1A):c.6494G>A (p.Arg2165His)

Gene: CACNA1A (calcium voltage-gated channel subunit alpha1 A; minus strand). Cytogenetic location: 19p13.13.
Variant type: single nucleotide variant.
Coding change: c.6494G>A on transcript NM_001127222.2 (MANE Select); coding-DNA position 6494, G replaced by A.
Protein change: p.Arg2165His; replaces arginine 2165 with histidine.
Molecular consequence: missense variant.
Genome position (GRCh38, 1-based): chr19:13,209,344, C>T on the plus strand (G>A on the coding strand, the complement: CACNA1A is on the minus strand). VCF-style: chr19-13209344-C-T. GRCh37 (hg19) VCF-style: chr19-13320158-C-T.
Other names: c.6497G>A (NM_000068.2); c.6512G>A, p.Arg2171His (NM_000068.4, NM_023035.3); c.6497G>A, p.Arg2166His (NM_001127221.2); c.6503G>A, p.Arg2168His (NM_001174080.2); short protein forms R2165H, R2168H, R2171H.
Identifiers: ClinVar variation 166765 (VCV000166765.44), dbSNP rs727503832, ClinGen allele CA233565.
Genomic context (GRCh38, chr19:13,209,344, plus strand): 5'-TGTCCCTGAGCACCACAGGGCTGCCCACCTGTGTCCACATCGGTGTAGCGGCCCAGGGAG[C>T]GCTCAGAGGCGCGGTGGCTGCGGTCGCGGCGCCGCTGGTGGTGCCGCTGGTTCTCCTCGG-3'
Protein context (NP_001120694.1, residues 2155-2175): RRDRSHRASE[Arg2165His]SLGRYTDVDT